The following is an entry in ClinVar:

ClinVar aggregate classification (germline): Uncertain significance (1 of 4 stars; one submission).

Allele frequency attached by ClinVar (database versions not stated): TOPMed below 0.00001.

Submission:

Labcorp Genetics (formerly Invitae), Labcorp
Classification: Uncertain significance. Last evaluated: 2022-08-23. Review status: criteria provided, single submitter. Criteria: Invitae Variant Classification Sherloc (09022015). Collection method: clinical testing. Allele origin: germline.
Comment: This sequence change replaces alanine, which is neutral and non-polar, with proline, which is neutral and non-polar, at codon 49 of the SLC12A2 protein (p.Ala49Pro). This variant is not present in population databases (gnomAD no frequency). This variant has not been reported in the literature in individuals affected with SLC12A2-related conditions. Advanced modeling of protein sequence and biophysical properties (such as structural, functional, and spatial information, amino acid conservation, physicochemical variation, residue mobility, and thermodynamic stability) performed at Invitae indicates that this missense variant is not expected to disrupt SLC12A2 protein function. In summary, the available evidence is currently insufficient to determine the role of this variant in disease. Therefore, it has been classified as a Variant of Uncertain Significance.

NM_001046.3(SLC12A2):c.145G>C (p.Ala49Pro)

Genes: SLC12A2 (solute carrier family 12 member 2; plus strand), LOC129994526 (ATAC-STARR-seq lymphoblastoid silent region 16295; plus strand). Cytogenetic location: 5q23.3.
Variant type: single nucleotide variant.
Coding change: c.145G>C on transcript NM_001046.3 (MANE Select); coding-DNA position 145, G replaced by C.
Protein change: p.Ala49Pro; replaces alanine 49 with proline.
Molecular consequence: missense variant. On other transcripts: non-coding transcript variant (1).
Genome position (GRCh38, 1-based): chr5:128,084,099, G>C. VCF-style: chr5-128084099-G-C. GRCh37 (hg19) VCF-style: chr5-127419791-G-C.
Other names: c.145G>C, p.Ala49Pro (NM_001256461.2); short protein forms A49P.
Identifiers: ClinVar variation 2010944 (VCV002010944.4), dbSNP rs1344766017, ClinGen allele CA360735895.